The following is an entry in ClinVar:

ClinVar aggregate classification (germline): Benign (1 of 4 stars; one submission).

Conditions:
Retinitis pigmentosa (RP). Identifiers: Orphanet 791, MedGen C0035334, MeSH D012174, MONDO:0019200, OMIM 268000. Inheritance: Autosomal dominant, autosomal recessive and X linked inheritance.

Allele frequency attached by ClinVar (database versions not stated): TOPMed 0.00291; gnomAD 0.00303; 1000 Genomes Project 0.00359; 1000 Genomes Project 30x 0.00406.

Submission:

Illumina Laboratory Services, Illumina
Classification: Benign for Retinitis pigmentosa. Last evaluated: 2018-01-12. Review status: criteria provided, single submitter. Criteria: ICSL Variant Classification Criteria 13 December 2019. Collection method: clinical testing. Allele origin: germline.
Comment: This variant was observed in the ICSL laboratory as part of a predisposition screen in an ostensibly healthy population. It had not been previously curated by ICSL or reported in the Human Gene Mutation Database (HGMD: prior to June 1st, 2018), and was therefore a candidate for classification through an automated scoring system. Utilizing variant allele frequency, disease prevalence and penetrance estimates, and inheritance mode, an automated score was calculated to assess if this variant is too frequent to cause the disease. Based on the score and internal cut-off values, a variant classified as benign is not then subjected to further curation. The score for this variant resulted in a classification of benign for this disease.

NM_014014.5(SNRNP200):c.-58C>G

Genes: SNRNP200 (small nuclear ribonucleoprotein U5 subunit 200; minus strand), LOC112841608 (Sharpr-MPRA regulatory region 61; plus strand). Cytogenetic location: 2q11.2.
Variant type: single nucleotide variant.
Coding change: c.-58C>G on transcript NM_014014.5 (MANE Select); 58 bases upstream of the start codon, C replaced by G.
Molecular consequence: 5 prime UTR variant.
Genome position (GRCh38, 1-based): chr2:96,305,495, G>C on the plus strand (C>G on the coding strand, the complement: SNRNP200 is on the minus strand). VCF-style: chr2-96305495-G-C. GRCh37 (hg19) VCF-style: chr2-96971233-G-C.
Identifiers: ClinVar variation 337571 (VCV000337571.5), dbSNP rs6721923, ClinGen allele CA10616444.